The following is an entry in ClinVar:

ClinVar aggregate classification (germline): Conflicting classifications of pathogenicity. Review status: criteria provided, conflicting classifications (1 of 4 stars). 4 submissions from 4 submitters: Uncertain significance (2); Likely benign (2). Last evaluated 2024-09-10.

Conditions:
Hereditary breast ovarian cancer syndrome. Also called: Breast and ovarian cancer; Hereditary breast and ovarian cancer; Hereditary breast and/or ovarian cancer syndrome; BRCA1- and BRCA2-Associated Hereditary Breast and Ovarian Cancer; Hereditary breast and ovarian cancer syndrome; Hereditary breast and ovarian cancer syndrome (HBOC). Identifiers: Orphanet 145, MedGen C0677776, MeSH D061325, MONDO:0003582. Disease mechanism: loss of function.
Hereditary cancer-predisposing syndrome. Also called: Tumor predisposition; Hereditary neoplastic syndrome; Neoplastic Syndromes, Hereditary; Hereditary Cancer Syndrome. Identifiers: Orphanet 140162, MedGen C0027672, MeSH D009386, MONDO:0015356.

Allele frequency attached by ClinVar (database versions not stated): gnomAD exomes below 0.00001.
gnomAD v4.1: 1 of 1,610,838 alleles (0.000062%); highest among the groups gnomAD compares: South Asian, 0.0011%; no homozygotes.

Submissions (4):

Labcorp Genetics (formerly Invitae), Labcorp
Classification: Uncertain significance for Hereditary breast ovarian cancer syndrome. Last evaluated: 2024-09-10. Review status: criteria provided, single submitter. Criteria: Invitae Variant Classification Sherloc (09022015). Collection method: clinical testing. Allele origin: germline.
Comment: This sequence change replaces methionine, which is neutral and non-polar, with valine, which is neutral and non-polar, at codon 840 of the BRCA2 protein (p.Met840Val). This variant is not present in population databases (gnomAD no frequency). This missense change has been observed in individual(s) with clinical features of BRCA2-related conditions (PMID: 21520333). ClinVar contains an entry for this variant (Variation ID: 847014). Invitae Evidence Modeling of protein sequence and biophysical properties (such as structural, functional, and spatial information, amino acid conservation, physicochemical variation, residue mobility, and thermodynamic stability) indicates that this missense variant is not expected to disrupt BRCA2 protein function with a negative predictive value of 95%. In summary, the available evidence is currently insufficient to determine the role of this variant in disease. Therefore, it has been classified as a Variant of Uncertain Significance.

University of Washington Department of Laboratory Medicine, University of Washington
Classification: Likely benign for Hereditary cancer-predisposing syndrome. Last evaluated: 2023-03-23. Review status: criteria provided, single submitter. Criteria: Dines et al. (Genet Med. 2020). Collection method: curation. Allele origin: germline.
Comment: Missense variant in a coldspot region where missense variants are very unlikely to be pathogenic (PMID:31911673).

BRCA2 exon 11 coldspot. Reclassification based on statistical prior probability.

Ambry Genetics
Classification: Likely benign for Hereditary cancer-predisposing syndrome. Last evaluated: 2023-03-16. Review status: criteria provided, single submitter. Criteria: Ambry Variant Classification Scheme 2023. Collection method: clinical testing. Allele origin: germline.

Color Diagnostics, LLC DBA Color Health
Classification: Uncertain significance for Hereditary cancer-predisposing syndrome. Last evaluated: 2020-12-02. Review status: criteria provided, single submitter. Criteria: ACMG Guidelines, 2015. Collection method: clinical testing. Allele origin: germline.
Comment: This missense variant replaces methionine with valine at codon 840 of the BRCA2 protein. Computational prediction suggests that this variant may not impact protein structure and function (internally defined REVEL score threshold <= 0.5, PMID: 27666373). To our knowledge, functional studies have not been reported for this variant. This variant has not been reported in individuals affected with hereditary cancer in the literature. This variant has not been identified in the general population by the Genome Aggregation Database (gnomAD). The available evidence is insufficient to determine the role of this variant in disease conclusively. Therefore, this variant is classified as a Variant of Uncertain Significance.

Literature cited by the submitters: PubMed 21520333 (cited by Labcorp Genetics (formerly Invitae), Labcorp).

NM_000059.4(BRCA2):c.2518A>G (p.Met840Val)

Gene: BRCA2 (BRCA2 DNA repair associated; plus strand). Cytogenetic location: 13q13.1.
Variant type: single nucleotide variant.
Coding change: c.2518A>G on transcript NM_000059.4 (MANE Select); coding-DNA position 2518, A replaced by G.
Protein change: p.Met840Val; replaces methionine 840 with valine.
Molecular consequence: missense variant.
Genome position (GRCh38, 1-based): chr13:32,336,873, A>G. VCF-style: chr13-32336873-A-G. GRCh37 (hg19) VCF-style: chr13-32911010-A-G.
Other names: short protein forms M840V.
Identifiers: ClinVar variation 847014 (VCV000847014.15), dbSNP rs2072459289, ClinGen allele CA387772460.